The following is an entry in ClinVar:

ClinVar aggregate classification (germline): Uncertain significance (1 of 4 stars; one submission).

Conditions:
Hermansky-Pudlak syndrome 2 (HPS2). Also called: Platelet defects and oculocutaneous albinism. Identifiers: Orphanet 183678, Orphanet 79430, MedGen C1842362, MONDO:0011997, OMIM 608233.

Allele frequency attached by ClinVar (database versions not stated): TOPMed below 0.00001; gnomAD 0.00001; gnomAD exomes 0.00001 and 0.00002.
gnomAD v4.1: 31 of 1,613,630 alleles (0.0019%); highest among the groups gnomAD compares: Non-Finnish European, 0.0026%; no homozygotes.

Submission:

Labcorp Genetics (formerly Invitae), Labcorp
Classification: Uncertain significance for Hermansky-Pudlak syndrome 2. Last evaluated: 2021-03-26. Review status: criteria provided, single submitter. Criteria: Invitae Variant Classification Sherloc (09022015). Collection method: clinical testing. Allele origin: germline.
Comment: This sequence change replaces glycine with arginine at codon 896 of the AP3B1 protein (p.Gly896Arg). The glycine residue is moderately conserved and there is a moderate physicochemical difference between glycine and arginine. This variant is not present in population databases (ExAC no frequency). This variant has not been reported in the literature in individuals with AP3B1-related conditions. Algorithms developed to predict the effect of missense changes on protein structure and function are either unavailable or do not agree on the potential impact of this missense change (SIFT: "Tolerated"; PolyPhen-2: "Probably Damaging"; Align-GVGD: "Class C0"). In summary, the available evidence is currently insufficient to determine the role of this variant in disease. Therefore, it has been classified as a Variant of Uncertain Significance.

NM_003664.5(AP3B1):c.2686G>C (p.Gly896Arg)

Gene: AP3B1 (adaptor related protein complex 3 subunit beta 1; minus strand). Cytogenetic location: 5q14.1.
Variant type: single nucleotide variant.
Coding change: c.2686G>C on transcript NM_003664.5 (MANE Select); coding-DNA position 2686, G replaced by C.
Protein change: p.Gly896Arg; replaces glycine 896 with arginine.
Molecular consequence: missense variant.
Genome position (GRCh38, 1-based): chr5:78,039,166, C>G on the plus strand (G>C on the coding strand, the complement: AP3B1 is on the minus strand). VCF-style: chr5-78039166-C-G. GRCh37 (hg19) VCF-style: chr5-77334990-C-G.
Other names: c.2539G>C, p.Gly847Arg (NM_001271769.2); short protein forms G847R, G896R.
Identifiers: ClinVar variation 1485361 (VCV001485361.8), dbSNP rs1338111569, ClinGen allele CA360332110.